The following is an entry in ClinVar:

ClinVar aggregate classification (germline): Uncertain significance (1 of 4 stars; one submission).

Submission:

GeneDx
Classification: Uncertain significance. Last evaluated: 2024-08-20. Review status: criteria provided, single submitter. Criteria: GeneDx Variant Classification Process June 2021. Collection method: clinical testing. Allele origin: germline. Affected: yes.
Comment: Not observed at significant frequency in large population cohorts (gnomAD); In silico analysis indicates that this missense variant does not alter protein structure/function; Has not been previously published as pathogenic or benign to our knowledge

NM_001134407.3(GRIN2A):c.746C>T (p.Thr249Ile)

Gene: GRIN2A (glutamate ionotropic receptor NMDA type subunit 2A; minus strand). Cytogenetic location: 16p13.2.
Variant type: single nucleotide variant.
Coding change: c.746C>T on transcript NM_001134407.3 (MANE Select); coding-DNA position 746, C replaced by T.
Protein change: p.Thr249Ile; replaces threonine 249 with isoleucine.
Molecular consequence: missense variant.
Genome position (GRCh38, 1-based): chr16:9,938,220, G>A on the plus strand (C>T on the coding strand, the complement: GRIN2A is on the minus strand). VCF-style: chr16-9938220-G-A. GRCh37 (hg19) VCF-style: chr16-10032077-G-A.
Other names: c.746C>T, p.Thr249Ile (NM_000833.5, NM_001134408.2); short protein forms T249I.
Identifiers: ClinVar variation 3764254 (VCV003764254.1).